The following is an entry in ClinVar:

ClinVar aggregate classification (germline): Pathogenic. Review status: criteria provided, multiple submitters, no conflicts (2 of 4 stars). 11 submissions from 11 submitters: Pathogenic (10). 1 of the submissions does not count toward it. Last evaluated 2026-05-04.

Conditions:
MYO7A-related disorder. Also called: MYO7A-related disorders.
Usher syndrome type 1 (USH1). Also called: RETINITIS PIGMENTOSA AND CONGENITAL DEAFNESS. Identifiers: Orphanet 231169, Orphanet 886, MedGen C1568247, MONDO:0010168, OMIM 276900.
Autosomal recessive nonsyndromic hearing loss 2. Also called: DEAFNESS, AUTOSOMAL RECESSIVE 2; NEUROSENSORY NONSYNDROMIC RECESSIVE DEAFNESS 2. Identifiers: Orphanet 90636, MedGen C1838701, MONDO:0010807, OMIM 600060.
Autosomal dominant nonsyndromic hearing loss 11. Identifiers: Orphanet 90635, MedGen C1832475, MONDO:0011032, OMIM 601317.
Usher syndrome type 1B (USH1B). Also called: Usher syndrome type IB. Identifiers: MedGen C1848638, MONDO:0700087.
Rare genetic deafness. Identifiers: Orphanet 96210, MedGen C5680250.

Allele frequency attached by ClinVar (database versions not stated): TOPMed 0.00003; gnomAD 0.00001; gnomAD exomes below 0.00001.
gnomAD v4.1: 7 of 1,611,420 alleles (0.00043%); highest among the groups gnomAD compares: Admixed American, 0.0017%; no homozygotes.

Submissions (11):

PreventionGenetics, part of Exact Sciences
Classification: Pathogenic for MYO7A-related condition. Last evaluated: 2026-05-04. Review status: criteria provided, single submitter. Criteria: ACMG Guidelines, 2015. Collection method: clinical testing. Allele origin: germline.
Comment: The MYO7A c.999T>G variant is predicted to result in premature protein termination (p.Tyr333*). This variant has been reported in the homozygous and compound heterozygous state in individuals with Usher syndrome or hearing loss (Weston et al. 1996. PubMed ID: 8900236; Yan et al. 2016. PubMed ID: 27344577; Gerber et al. 2006. PubMed ID: 16400615; Jacobson et al. 2011. PubMed ID: 21873662; Jacobson et al. 2008. PubMed ID: 18463160). This variant has not been reported in a large population database (gnomAD), indicating this variant is rare. Nonsense variants in MYO7A are expected to be pathogenic. This variant is interpreted as pathogenic.

Dasa
Classification: Pathogenic. Last evaluated: 2026-02-06. Review status: criteria provided, single submitter. Criteria: DASA Assertion Criteria. Collection method: clinical testing. Allele origin: germline.
Comment: NM_000260.4(MYO7A):c.999T>G (p.Tyr333*) introduces a premature termination codon predicted to result in loss of normal protein function. Loss-of-function is an established mechanism of disease for this gene. The variant is present at low frequency in population datasets. Based on the available data, this variant is classified as pathogenic.

Labcorp Genetics (formerly Invitae), Labcorp
Classification: Pathogenic. Last evaluated: 2026-01-19. Review status: criteria provided, single submitter. Criteria: Invitae Variant Classification Sherloc (09022015). Collection method: clinical testing. Allele origin: germline.
Comment: This sequence change creates a premature translational stop signal (p.Tyr333*) in the MYO7A gene. It is expected to result in an absent or disrupted protein product. Loss-of-function variants in MYO7A are known to be pathogenic (PMID: 8900236, 25404053). This variant is not present in population databases (gnomAD no frequency). This premature translational stop signal has been observed in individuals with autosomal recessive MYO7A-related conditions (PMID: 8900236, 26969326, 27344577, 30390570). ClinVar contains an entry for this variant (Variation ID: 43345). For these reasons, this variant has been classified as Pathogenic.

Natera, Inc.
Classification: Pathogenic for Usher syndrome type 1B. Last evaluated: 2025-09-10. Review status: criteria provided, single submitter. Criteria: Natera Variant Classification Schema (03/2026). Collection method: clinical testing. Allele origin: germline.
Comment: The c.999T>G variant in MYO7A is a nonsense variant predicted to introduce a stop codon at amino acid 333. This variant is expected to result in nonsense mediated decay, truncation, or a dysfunctional protein product. This variant is rare in the general population with a frequency below the threshold expected for the associated phenotype(s). This variant has been observed in one or more individuals affected with the associated recessive disease, as either homozygous or compound heterozygous with a second variant (PMID: 27460420). Given the available evidence, this variant is classified as Pathogenic.

Fulgent Genetics
Classification: Pathogenic for Usher syndrome type 1; Autosomal recessive nonsyndromic hearing loss 2; Autosomal dominant nonsyndromic hearing loss 11. Last evaluated: 2024-06-06. Review status: criteria provided, single submitter. Criteria: ACMG Guidelines, 2015. Collection method: clinical testing. Allele origin: germline.

Blueprint Genetics
Classification: Pathogenic for MYO7A-related disorders. Last evaluated: 2023-09-21. Review status: criteria provided, single submitter. Criteria: ACMG Guidelines, 2015. Collection method: clinical testing. Allele origin: germline. Affected: yes. Observed: 5 variant alleles.

GeneDx
Classification: Pathogenic. Last evaluated: 2023-06-05. Review status: criteria provided, single submitter. Criteria: GeneDx Variant Classification Process June 2021. Collection method: clinical testing. Allele origin: germline. Affected: yes.
Comment: Nonsense variant predicted to result in protein truncation or nonsense mediated decay in a gene for which loss of function is a known mechanism of disease; Not observed in large population cohorts (gnomAD); This variant is associated with the following publications: (PMID: 16400615, 21873662, 27344577, 18463160, 26969326, 30390570, 21436283, 8900236, 32981126, 34948090, 34599368)

Eurofins Ntd Llc (ga)
Classification: Pathogenic. Last evaluated: 2018-07-24. Review status: criteria provided, single submitter. Criteria: EGL ClinVar v180209 classification definitions. Collection method: clinical testing. Allele origin: germline. Observed: 1 variant allele, 1 heterozygote.

Laboratory for Molecular Medicine, Mass General Brigham Personalized Medicine
Classification: Pathogenic for Rare genetic deafness. Last evaluated: 2018-01-22. Review status: criteria provided, single submitter. Criteria: LMM Criteria. Collection method: clinical testing. Allele origin: germline. Inheritance: Autosomal recessive inheritance. Observed: 6 variant alleles.
Comment: proposed classification - variant undergoing re-assessment, contact laboratory

Clinical Genetics Service, Universitary Hospital 12 de Octubre
Classification: Pathogenic for Usher syndrome type 1. Review status: criteria provided, single submitter. Criteria: ACMG Guidelines, 2015. Collection method: clinical testing. Allele origin: germline. Affected: yes.

Counsyl
Classification: Pathogenic for Autosomal recessive nonsyndromic hearing loss 2. Last evaluated: 2017-10-19. Review status: no assertion criteria provided. Collection method: clinical testing. Allele origin: unknown. Not counted in ClinVar's aggregate classification.

Literature cited by the submitters: PubMed 8900236 (cited by Labcorp Genetics (formerly Invitae), Labcorp and Laboratory for Molecular Medicine, Mass General Brigham Personalized Medicine); PubMed 25404053 (cited by Labcorp Genetics (formerly Invitae), Labcorp); PubMed 26969326 (cited by Labcorp Genetics (formerly Invitae), Labcorp and Counsyl); PubMed 27344577 (cited by Labcorp Genetics (formerly Invitae), Labcorp and Counsyl); PubMed 30390570 (cited by Labcorp Genetics (formerly Invitae), Labcorp); PubMed 27460420 (cited by Natera, Inc.); PubMed 16400615 (cited by Laboratory for Molecular Medicine, Mass General Brigham Personalized Medicine); PubMed 18463160 (cited by Laboratory for Molecular Medicine, Mass General Brigham Personalized Medicine); PubMed 21873662 (cited by Laboratory for Molecular Medicine, Mass General Brigham Personalized Medicine).

NM_000260.4(MYO7A):c.999T>G (p.Tyr333Ter)

Gene: MYO7A (myosin VIIA; plus strand). Cytogenetic location: 11q13.5.
Variant type: single nucleotide variant.
Coding change: c.999T>G on transcript NM_000260.4 (MANE Select); coding-DNA position 999, T replaced by G.
Protein change: p.Tyr333Ter; replaces tyrosine 333 with a stop codon.
Molecular consequence: nonsense.
Genome position (GRCh38, 1-based): chr11:77,158,426, T>G. VCF-style: chr11-77158426-T-G. GRCh37 (hg19) VCF-style: chr11-76869472-T-G.
Other names: c.999T>G, p.Tyr333Ter (NM_001127180.2); c.966T>G, p.Tyr322Ter (NM_001369365.1); short protein forms Y333*, Y322*.
Identifiers: ClinVar variation 43345 (VCV000043345.30), dbSNP rs111033285, ClinGen allele CA278716.